The following is an entry in ClinVar:

ClinVar aggregate classification (germline): Likely benign. Review status: criteria provided, multiple submitters, no conflicts (2 of 4 stars). 3 submissions from 3 submitters: Likely benign (3). Last evaluated 2025-07-23.

Conditions:
Hereditary cancer-predisposing syndrome. Also called: Neoplastic Syndromes, Hereditary; Hereditary Cancer Syndrome; Hereditary neoplastic syndrome; Tumor predisposition. Identifiers: Orphanet 140162, MedGen C0027672, MeSH D009386, MONDO:0015356.
Familial adenomatous polyposis 2. Also called: ADENOMAS, MULTIPLE COLORECTAL, AUTOSOMAL RECESSIVE; MYH-associated polyposis; Adenomas, multiple colorectal; MUTYH Polyposis; COLORECTAL ADENOMATOUS POLYPOSIS, AUTOSOMAL RECESSIVE; FAP type 2. Identifiers: Orphanet 220460, Orphanet 247798, MedGen C3272841, MONDO:0012041, OMIM 608456.

Allele frequency attached by ClinVar (database versions not stated): gnomAD exomes below 0.00001; gnomAD 0.00005 and 0.00006; TOPMed 0.00005.
gnomAD v4.1: 11 of 1,613,776 alleles (0.00068%); highest among the groups gnomAD compares: African/African-American, 0.012%; no homozygotes.

Submissions (3):

Labcorp Genetics (formerly Invitae), Labcorp
Classification: Likely benign for Familial adenomatous polyposis 2. Last evaluated: 2025-07-23. Review status: criteria provided, single submitter. Criteria: Invitae Variant Classification Sherloc (09022015). Collection method: clinical testing. Allele origin: germline.

GeneDx
Classification: Likely benign. Last evaluated: 2016-11-03. Review status: criteria provided, single submitter. Criteria: GeneDx Variant Classification (06012015). Collection method: clinical testing. Allele origin: germline. Affected: yes.
Comment: This variant is considered likely benign or benign based on one or more of the following criteria: it is a conservative change, it occurs at a poorly conserved position in the protein, it is predicted to be benign by multiple in silico algorithms, and/or has population frequency not consistent with disease.

Color Diagnostics, LLC DBA Color Health
Classification: Likely benign for Hereditary cancer-predisposing syndrome. Last evaluated: 2016-03-21. Review status: criteria provided, single submitter. Criteria: ACMG Guidelines, 2015. Collection method: clinical testing. Allele origin: germline.

NM_001048174.2(MUTYH):c.1435-14C>G

Gene: MUTYH (mutY DNA glycosylase; minus strand). Cytogenetic location: 1p34.1.
Variant type: single nucleotide variant.
Coding change: c.1435-14C>G on transcript NM_001048174.2 (MANE Select); 14 bases into the intron before coding-DNA position 1435, C replaced by G.
Molecular consequence: intron variant.
Genome position (GRCh38, 1-based): chr1:45,329,451, G>C on the plus strand (C>G on the coding strand, the complement: MUTYH is on the minus strand). VCF-style: chr1-45329451-G-C. GRCh37 (hg19) VCF-style: chr1-45795123-G-C.
Other names: c.1090-14C>G (NM_001350651.2, NM_001350650.2); c.1159-14C>G (NM_001293192.2, NM_001293196.2); c.1435-14C>G (NM_001048171.2, NM_001048173.2, NM_001293195.2); c.1480-14C>G (NM_001293190.2); c.1510-14C>G (NM_012222.3); c.1519-14C>G (NM_001128425.2); c.1438-14C>G (NM_001048172.2); c.1468-14C>G (NM_001293191.2).
Identifiers: ClinVar variation 378186 (VCV000378186.11), dbSNP rs1031501403, ClinGen allele CA16603721.
Genomic context (GRCh38, chr1:45,329,451, plus strand): 5'-GGCTTTTTCCGACTGCACGGAGAGGACACCTGGGACCTTTTGGAACCCTGTGAAAAAATG[G>C]AAGGAGGGAGGCCTTGTAGTTGGGGGAGGGGGAGCAGAGAATCCTCTCCTTGTCCTCTCT-3'